The following is an entry in ClinVar:

ClinVar aggregate classification (germline): Uncertain significance (1 of 4 stars; one submission).

gnomAD v4.1: 9 of 1,614,224 alleles (0.00056%); no homozygotes.

Submission:

Ambry Genetics
Classification: Uncertain significance. Last evaluated: 2026-08-13. Review status: criteria provided, single submitter. Criteria: Ambry Variant Classification Scheme 2023. Collection method: clinical testing. Allele origin: germline.
Comment: The c.1860C>A (p.S620R) alteration is located in exon 16 (coding exon 16) of the ITPR3 gene. This alteration results from a C to A substitution at nucleotide position 1860, causing the serine (S) at amino acid position 620 to be replaced by an arginine (R). Based on data from gnomAD, the A allele has an overall frequency of <0.001% (1/251268) total alleles studied. The highest observed frequency was 0.005% (1/18394) of East Asian alleles. Based on insufficient or conflicting evidence, the clinical significance of this alteration remains unclear.

NM_002224.4(ITPR3):c.1860C>A (p.Ser620Arg)

Gene: ITPR3 (inositol 1,4,5-trisphosphate receptor type 3; plus strand). Cytogenetic location: 6p21.31.
Variant type: single nucleotide variant.
Coding change: c.1860C>A on transcript NM_002224.4 (MANE Select); coding-DNA position 1860, C replaced by A.
Protein change: p.Ser620Arg; replaces serine 620 with arginine.
Molecular consequence: missense variant.
Genome position (GRCh38, 1-based): chr6:33,667,938, C>A. VCF-style: chr6-33667938-C-A. GRCh37 (hg19) VCF-style: chr6-33635715-C-A.
Other names: short protein forms S620R.
Identifiers: ClinVar variation 3287007 (VCV003287007.2).
Genomic context (GRCh38, chr6:33,667,938, plus strand): 5'-CAACAACCGCAAGCTCCTGGAAAAGCACATCACCAAGACCGAGGTGGAGACCTTCGTCAG[C>A]CTTGTGCGCAAGAACCGGGAGCCCAGGTGGGCCCGAACCCCCTCCCCGGCCGGCGCCTGC-3'
Protein context (NP_002215.2, residues 610-630): ITKTEVETFV[Ser620Arg]LVRKNREPRF